The following is an entry in ClinVar:

ClinVar aggregate classification (germline): Likely benign (0 of 4 stars; one submission).

Conditions:
DENND4B-related disorder. Also called: DENND4B-related condition.

Allele frequency attached by ClinVar (database versions not stated): gnomAD exomes 0.00015; TOPMed 0.00016; gnomAD 0.00024; ExAC 0.00041; 1000 Genomes Project 30x 0.00156; 1000 Genomes Project 0.00180.
gnomAD v4.1: 249 of 1,613,788 alleles (0.015%); highest among the groups gnomAD compares: East Asian, 0.48%; 3 homozygotes.

Submission:

PreventionGenetics, part of Exact Sciences
Classification: Likely benign for DENND4B-related condition. Last evaluated: 2023-10-03. Review status: no assertion criteria provided. Collection method: clinical testing. Allele origin: germline.
Comment: This variant is classified as likely benign based on ACMG/AMP sequence variant interpretation guidelines (Richards et al. 2015 PMID: 25741868, with internal and published modifications).

NM_014856.3(DENND4B):c.703G>A (p.Val235Ile)

Gene: DENND4B (DENN domain containing 4B; minus strand). Cytogenetic location: 1q21.3.
Variant type: single nucleotide variant.
Coding change: c.703G>A on transcript NM_014856.3 (MANE Select); coding-DNA position 703, G replaced by A.
Protein change: p.Val235Ile; replaces valine 235 with isoleucine.
Molecular consequence: missense variant.
Genome position (GRCh38, 1-based): chr1:153,942,294, C>T on the plus strand (G>A on the coding strand, the complement: DENND4B is on the minus strand). VCF-style: chr1-153942294-C-T. GRCh37 (hg19) VCF-style: chr1-153914770-C-T.
Other names: c.736G>A, p.Val246Ile (NM_001367466.1); short protein forms V235I, V246I.
Identifiers: ClinVar variation 3049934 (VCV003049934.2), dbSNP rs185849678, ClinGen allele CA1121896.